The following is an entry in ClinVar:

NM_004415.4(DSP):c.732G>C (p.Glu244Asp)

Gene: DSP (desmoplakin; plus strand). Cytogenetic location: 6p24.3.
Variant type: single nucleotide variant.
Coding change: c.732G>C on transcript NM_004415.4 (MANE Select); coding-DNA position 732, G replaced by C.
Protein change: p.Glu244Asp; replaces glutamic acid 244 with aspartic acid.
Molecular consequence: missense variant.
Genome position (GRCh38, 1-based): chr6:7,563,741, G>C. VCF-style: chr6-7563741-G-C. GRCh37 (hg19) VCF-style: chr6-7563974-G-C.
Other names: c.732G>C, p.Glu244Asp (NM_001008844.3, NM_001319034.2); short protein forms E244D.
Identifiers: ClinVar variation 1171028 (VCV001171028.3), dbSNP rs2113666864, ClinGen allele CA362673657.
Genomic context (GRCh38, chr6:7,563,741, plus strand): 5'-TTTCTATACAATCCACAAGGGGATTTATATCTACCTGCTTTTTGTTGTCTTCTAGCGCGA[G>C]AAATCTGCGATCTACCAGTTGGAGGAGGAGTATGAAAACCTGCTGGTAAGCTGATTTATT-3'
Protein context (NP_004406.2, residues 234-254): QLDKIKADLR[Glu244Asp]KSAIYQLEEE

ClinVar aggregate classification (germline): Uncertain significance (1 of 4 stars; one submission).

Conditions:
Cardiomyopathy (CMYO). Also called: Cardiomyopathies. Identifiers: Orphanet 167848, MedGen C0878544, MONDO:0004994, HP:0001638. Inheritance: Various modes of inheritance.

Allele frequency attached by ClinVar (database versions not stated): gnomAD exomes below 0.00001.

Submission:

Color Diagnostics, LLC DBA Color Health
Classification: Uncertain significance for Cardiomyopathy. Last evaluated: 2024-03-07. Review status: criteria provided, single submitter. Criteria: ACMG Guidelines, 2015. Collection method: clinical testing. Allele origin: germline.
Comment: This missense variant replaces glutamic acid with aspartic acid at codon 244 of the DSP protein. Computational prediction suggests that this variant may not impact protein structure and function (internally defined REVEL score threshold <= 0.5, PMID: 27666373). To our knowledge, functional studies have not been reported for this variant. This variant has not been reported in individuals affected with cardiovascular disorders in the literature. This variant has not been identified in the general population by the Genome Aggregation Database (gnomAD). The available evidence is insufficient to determine the role of this variant in disease conclusively. Therefore, this variant is classified as a Variant of Uncertain Significance.